The following is an entry in ClinVar:

ClinVar aggregate classification (germline): Uncertain significance (1 of 4 stars; one submission).

Conditions:
Inborn genetic diseases. Identifiers: MedGen C0950123, MeSH D030342.

Submission:

Ambry Genetics
Classification: Uncertain significance for Inborn genetic diseases. Last evaluated: 2025-11-11. Review status: criteria provided, single submitter. Criteria: Ambry Variant Classification Scheme 2023. Collection method: clinical testing. Allele origin: germline.
Comment: The p.F694S variant (also known as c.2081T>C), located in coding exon 1 of the SAMD9 gene, results from a T to C substitution at nucleotide position 2081. The phenylalanine at codon 694 is replaced by serine, an amino acid with highly dissimilar properties. This amino acid position is conserved. In addition, the in silico prediction for this alteration is inconclusive. Based on the available evidence, the clinical significance of this variant remains unclear.

NM_017654.4(SAMD9):c.2081T>C (p.Phe694Ser)

Gene: SAMD9 (sterile alpha motif domain containing 9; minus strand). Cytogenetic location: 7q21.2.
Variant type: single nucleotide variant.
Coding change: c.2081T>C on transcript NM_017654.4 (MANE Select); coding-DNA position 2081, T replaced by C.
Protein change: p.Phe694Ser; replaces phenylalanine 694 with serine.
Molecular consequence: missense variant.
Genome position (GRCh38, 1-based): chr7:93,104,017, A>G on the plus strand (T>C on the coding strand, the complement: SAMD9 is on the minus strand). VCF-style: chr7-93104017-A-G. GRCh37 (hg19) VCF-style: chr7-92733330-A-G.
Other names: c.2081T>C, p.Phe694Ser (NM_001193307.2); short protein forms F694S.
Identifiers: ClinVar variation 4629938 (VCV004629938.1).